The following is an entry in ClinVar:

ClinVar aggregate classification (germline): Likely benign. Review status: criteria provided, multiple submitters, no conflicts (2 of 4 stars). 4 submissions from 4 submitters: Likely benign (4). Last evaluated 2026-02-01.

Conditions:
Familial infantile myasthenia (CMS6). Also called: MYASTHENIC SYNDROME, PRESYNAPTIC, CONGENITAL, ASSOCIATED WITH EPISODIC APNEA; Congenital myasthenic syndrome type 6; MYASTHENIC SYNDROME, CONGENITAL, 6, PRESYNAPTIC. Identifiers: Orphanet 590, MedGen C0393929, MONDO:0009689, OMIM 254210.

Allele frequency attached by ClinVar (database versions not stated): ExAC 0.00021; gnomAD 0.00025 and 0.00026; TOPMed 0.00028; gnomAD exomes 0.00029 and 0.00033; ESP Exome Variant Server 0.00038.
gnomAD v4.1: 525 of 1,614,100 alleles (0.033%); highest among the groups gnomAD compares: Middle Eastern, 0.066%; no homozygotes.

Submissions (4):

Labcorp Genetics (formerly Invitae), Labcorp
Classification: Likely benign for Familial infantile myasthenia. Last evaluated: 2026-02-01. Review status: criteria provided, single submitter. Criteria: Invitae Variant Classification Sherloc (09022015). Collection method: clinical testing. Allele origin: germline.

Blueprint Genetics
Classification: Likely benign. Last evaluated: 2024-10-22. Review status: criteria provided, single submitter. Criteria: ACMG Guidelines, 2015. Collection method: clinical testing. Allele origin: germline.

CeGaT Center for Human Genetics Tuebingen
Classification: Likely benign. Last evaluated: 2023-03-01. Review status: criteria provided, single submitter. Criteria: CeGaT Center For Human Genetics Tuebingen Variant Classification Criteria Version 2. Collection method: clinical testing. Allele origin: germline. Affected: yes. Observed: 1 variant allele.
Comment: CHAT: BP4, BP7

PreventionGenetics, part of Exact Sciences
Classification: Likely benign. Review status: criteria provided, single submitter. Criteria: ACMG Guidelines, 2015. Collection method: clinical testing. Allele origin: germline.

NM_020549.5(CHAT):c.2178G>A (p.Pro726=)

Gene: CHAT (choline O-acetyltransferase; plus strand). Cytogenetic location: 10q11.23.
Variant type: single nucleotide variant.
Coding change: c.2178G>A on transcript NM_020549.5 (MANE Select); coding-DNA position 2178, G replaced by A.
Protein change: p.Pro726=; no amino-acid change (proline 726 retained).
Molecular consequence: synonymous variant.
Genome position (GRCh38, 1-based): chr10:49,664,977, G>A. VCF-style: chr10-49664977-G-A. GRCh37 (hg19) VCF-style: chr10-50873023-G-A.
Other names: c.1824G>A, p.Pro608= (NM_001142929.2, NM_001142934.2, NM_020984.4 and 2 more transcripts); c.1932G>A, p.Pro644= (NM_001142933.2).
Identifiers: ClinVar variation 261332 (VCV000261332.37), dbSNP rs77144546, ClinGen allele CA5497728.